The following is an entry in ClinVar:

NM_000313.4(PROS1):c.470A>G (p.Asp157Gly)

Gene: PROS1 (protein S; minus strand). Cytogenetic location: 3q11.1.
Variant type: single nucleotide variant.
Coding change: c.470A>G on transcript NM_000313.4 (MANE Select); coding-DNA position 470, A replaced by G.
Protein change: p.Asp157Gly; replaces aspartic acid 157 with glycine.
Molecular consequence: missense variant.
Genome position (GRCh38, 1-based): chr3:93,905,915, T>C on the plus strand (A>G on the coding strand, the complement: PROS1 is on the minus strand). VCF-style: chr3-93905915-T-C. GRCh37 (hg19) VCF-style: chr3-93624759-T-C.
Other names: p.Asp157Gly; c.566A>G, p.Asp189Gly (NM_001314077.2); short protein forms D157G, D189G.
Identifiers: ClinVar variation 1209462 (VCV001209462.10), dbSNP rs751090951, ClinGen allele CA2503466.

ClinVar aggregate classification (germline): Conflicting classifications of pathogenicity. Review status: criteria provided, conflicting classifications (1 of 4 stars). 3 submissions from 3 submitters: Likely pathogenic (2); Uncertain significance (1). Last evaluated 2025-09-03.

Conditions:
Thrombophilia due to protein S deficiency, autosomal recessive (THPH6). Identifiers: Orphanet 743, MedGen C3281092, MONDO:0013791, OMIM 614514. Disease mechanism: loss of function.

Allele frequency attached by ClinVar (database versions not stated): ExAC 0.00001; gnomAD 0.00001; gnomAD exomes 0.00001 and 0.00002; TOPMed 0.00002.
gnomAD v4.1: 12 of 1,612,778 alleles (0.00074%); no homozygotes.

Submissions (3):

Mayo Clinic Laboratories, Mayo Clinic
Classification: Likely pathogenic. Last evaluated: 2025-09-03. Review status: criteria provided, single submitter. Criteria: ACMG Guidelines, 2015. Collection method: clinical testing. Allele origin: germline. Observed: 1 variant allele.
Comment: PP3_strong, PM2_supporting, PS4_moderate

Labcorp Genetics (formerly Invitae), Labcorp
Classification: Likely pathogenic for Thrombophilia due to protein S deficiency, autosomal recessive. Last evaluated: 2024-11-22. Review status: criteria provided, single submitter. Criteria: Invitae Variant Classification Sherloc (09022015). Collection method: clinical testing. Allele origin: germline.
Comment: This sequence change replaces aspartic acid, which is acidic and polar, with glycine, which is neutral and non-polar, at codon 157 of the PROS1 protein (p.Asp157Gly). This variant is present in population databases (rs751090951, gnomAD 0.04%). This missense change has been observed in individuals with clinical features of protein S deficiency (PMID: 8765219; internal data). It has also been observed to segregate with disease in related individuals. This variant is also known as p.Asp116Gly. ClinVar contains an entry for this variant (Variation ID: 1209462). An algorithm developed to predict the effect of missense changes on protein structure and function (PolyPhen-2) suggests that this variant is likely to be disruptive. In summary, the currently available evidence indicates that the variant is pathogenic, but additional data are needed to prove that conclusively. Therefore, this variant has been classified as Likely Pathogenic.

GeneDx
Classification: Uncertain significance. Last evaluated: 2020-09-03. Review status: criteria provided, single submitter. Criteria: GeneDx Variant Classification Process June 2021. Collection method: clinical testing. Allele origin: germline. Affected: yes.
Comment: In silico analysis supports that this missense variant has a deleterious effect on protein structure/function; This variant is associated with the following publications: (PMID: 8765219)

Literature cited by the submitters: PubMed 8765219 (cited by Mayo Clinic Laboratories, Mayo Clinic and Labcorp Genetics (formerly Invitae), Labcorp).